The following is an entry in ClinVar:

ClinVar aggregate classification (germline): Uncertain significance (1 of 4 stars; one submission).

Conditions:
Gastrointestinal stromal tumor. Also called: Gastrointestinal stroma tumor; Gastrointestinal stromal tumor, somatic. Identifiers: Orphanet 44890, MedGen C0238198, MeSH D046152, MONDO:0011719, OMIM 606764, HP:0100723.

Submission:

Labcorp Genetics (formerly Invitae), Labcorp
Classification: Uncertain significance for Gastrointestinal stromal tumor. Last evaluated: 2022-07-22. Review status: criteria provided, single submitter. Criteria: Invitae Variant Classification Sherloc (09022015). Collection method: clinical testing. Allele origin: germline.
Comment: This sequence change replaces glycine, which is neutral and non-polar, with valine, which is neutral and non-polar, at codon 429 of the PDGFRA protein (p.Gly429Val). In summary, the available evidence is currently insufficient to determine the role of this variant in disease. Therefore, it has been classified as a Variant of Uncertain Significance. Algorithms developed to predict the effect of missense changes on protein structure and function (SIFT, PolyPhen-2, Align-GVGD) all suggest that this variant is likely to be tolerated. This variant has not been reported in the literature in individuals affected with PDGFRA-related conditions. This variant is not present in population databases (gnomAD no frequency).

NM_006206.6(PDGFRA):c.1286G>T (p.Gly429Val)

Gene: PDGFRA (platelet derived growth factor receptor alpha; plus strand). Cytogenetic location: 4q12.
Variant type: single nucleotide variant.
Coding change: c.1286G>T on transcript NM_006206.6 (MANE Select); coding-DNA position 1286, G replaced by T.
Protein change: p.Gly429Val; replaces glycine 429 with valine.
Molecular consequence: missense variant.
Genome position (GRCh38, 1-based): chr4:54,272,442, G>T. VCF-style: chr4-54272442-G-T. GRCh37 (hg19) VCF-style: chr4-55138609-G-T.
Other names: c.1286G>T, p.Gly429Val (NM_001347827.2, NM_001347829.2); c.1361G>T, p.Gly454Val (NM_001347828.2); c.1325G>T, p.Gly442Val (NM_001347830.2); short protein forms G429V, G442V, G454V.
Identifiers: ClinVar variation 1713294 (VCV001713294.6), dbSNP rs2475481969, ClinGen allele CA356892232.
Genomic context (GRCh38, chr4:54,272,442, plus strand): 5'-TGCCTCTTGCAGTTCCTTCATCCATTCTGGACTTGGTCGATGATCACCATGGCTCAACTG[G>T]GGGACAGACGGTGAGGTGCACAGCTGAAGGCACGCCGCTTCCTGATATTGAGTGGATGAT-3'
Protein context (NP_006197.1, residues 419-439): DLVDDHHGST[Gly429Val]GQTVRCTAEG